The following is an entry in ClinVar:

ClinVar aggregate classification (germline): Uncertain significance (1 of 4 stars; one submission).

Submission:

Labcorp Genetics (formerly Invitae), Labcorp
Classification: Uncertain significance. Last evaluated: 2022-09-08. Review status: criteria provided, single submitter. Criteria: Invitae Variant Classification Sherloc (09022015). Collection method: clinical testing. Allele origin: germline.
Comment: This variant has not been reported in the literature in individuals affected with NCSTN-related conditions. In summary, the available evidence is currently insufficient to determine the role of this variant in disease. Therefore, it has been classified as a Variant of Uncertain Significance. Algorithms developed to predict the effect of sequence changes on RNA splicing suggest that this variant may disrupt the consensus splice site. This variant is not present in population databases (gnomAD no frequency). This sequence change affects codon 488 of the NCSTN mRNA. It is a 'silent' change, meaning that it does not change the encoded amino acid sequence of the NCSTN protein.

NM_015331.3(NCSTN):c.1464A>T (p.Ala488=)

Gene: NCSTN (nicastrin; plus strand). Cytogenetic location: 1q23.2.
Variant type: single nucleotide variant.
Coding change: c.1464A>T on transcript NM_015331.3 (MANE Select); coding-DNA position 1464, A replaced by T.
Protein change: p.Ala488=; no amino-acid change (alanine 488 retained).
Molecular consequence: synonymous variant.
Genome position (GRCh38, 1-based): chr1:160,355,871, A>T. VCF-style: chr1-160355871-A-T. GRCh37 (hg19) VCF-style: chr1-160325661-A-T.
Other names: c.1404A>T, p.Ala468= (NM_001290184.2); c.1050A>T, p.Ala350= (NM_001290186.2); c.1464A>T, p.Ala488= (NM_001349729.2).
Identifiers: ClinVar variation 2029555 (VCV002029555.4), dbSNP rs2525547193, ClinGen allele CA421370545.